The following is an entry in ClinVar:

ClinVar aggregate classification (germline): Benign (1 of 4 stars; one submission).

Conditions:
Childhood apraxia of speech (SPCH1). Also called: DEVELOPMENTAL VERBAL DYSPRAXIA; Speech language disorder; FOXP2-Related Speech and Language Disorder; SPEECH AND LANGUAGE DISORDER WITH OROFACIAL DYSPRAXIA. Identifiers: Orphanet 209908, MedGen C0750927, MONDO:0011184, OMIM 602081.

Allele frequency attached by ClinVar (database versions not stated): 1000 Genomes Project 0.00499; 1000 Genomes Project 30x 0.00531; ExAC 0.00945; TOPMed 0.01147.
gnomAD v4.1: 5,588 of 453,764 alleles (1.2%); highest among the groups gnomAD compares: Middle Eastern, 2.4%; 55 homozygotes.

Submission:

Illumina Laboratory Services, Illumina
Classification: Benign for Childhood apraxia of speech. Last evaluated: 2018-01-13. Review status: criteria provided, single submitter. Criteria: ICSL Variant Classification Criteria 13 December 2019. Collection method: clinical testing. Allele origin: germline.
Comment: This variant was observed in the ICSL laboratory as part of a predisposition screen in an ostensibly healthy population. It had not been previously curated by ICSL or reported in the Human Gene Mutation Database (HGMD: prior to June 1st, 2018), and was therefore a candidate for classification through an automated scoring system. Utilizing variant allele frequency, disease prevalence and penetrance estimates, and inheritance mode, an automated score was calculated to assess if this variant is too frequent to cause the disease. Based on the score and internal cut-off values, a variant classified as benign is not then subjected to further curation. The score for this variant resulted in a classification of benign for this disease.

NM_014491.4(FOXP2):c.*2191C>T

Gene: FOXP2 (forkhead box P2; plus strand). Cytogenetic location: 7q31.1.
Variant type: single nucleotide variant.
Coding change: c.*2191C>T on transcript NM_014491.4 (MANE Select); 2191 bases downstream of the stop codon, C replaced by T.
Molecular consequence: 3 prime UTR variant. On other transcripts: non-coding transcript variant (2).
Genome position (GRCh38, 1-based): chr7:114,692,117, C>T. VCF-style: chr7-114692117-C-T. GRCh37 (hg19) VCF-style: chr7-114332172-C-T.
Other names: c.*2191C>T (NM_001172766.3, NM_148898.4, NM_148900.4).
Identifiers: ClinVar variation 358652 (VCV000358652.5), dbSNP rs114784365, ClinGen allele CA4446459.